The following is an entry in ClinVar:

NM_000352.6(ABCC8):c.2929G>A (p.Ala977Thr)

Gene: ABCC8 (ATP binding cassette subfamily C member 8; minus strand). Cytogenetic location: 11p15.1.
Variant type: single nucleotide variant.
Coding change: c.2929G>A on transcript NM_000352.6 (MANE Select); coding-DNA position 2929, G replaced by A.
Protein change: p.Ala977Thr; replaces alanine 977 with threonine.
Molecular consequence: missense variant. On other transcripts: non-coding transcript variant (1).
Genome position (GRCh38, 1-based): chr11:17,407,121, C>T on the plus strand (G>A on the coding strand, the complement: ABCC8 is on the minus strand). VCF-style: chr11-17407121-C-T. GRCh37 (hg19) VCF-style: chr11-17428668-C-T.
Other names: c.2929G>A (NM_000352.3); c.2932G>A, p.Ala978Thr (NM_001287174.3); c.2995G>A, p.Ala999Thr (NM_001351295.2); c.2929G>A, p.Ala977Thr (NM_001351296.2); c.2926G>A, p.Ala976Thr (NM_001351297.2); short protein forms A976T, A977T, A978T, A999T.
Identifiers: ClinVar variation 1339208 (VCV001339208.12), dbSNP rs568576108, ClinGen allele CA5902968.

ClinVar aggregate classification (germline): Conflicting classifications of pathogenicity. Review status: criteria provided, conflicting classifications (1 of 4 stars). 5 submissions from 5 submitters: Uncertain significance (4); Likely benign (1). Last evaluated 2026-07-28.

Conditions:
Type 2 diabetes mellitus. Also called: Type II diabetes mellitus. Identifiers: MedGen C0011860, MeSH D003924, MONDO:0005148, OMIM 125853, HP:0005978.
Diabetes mellitus, permanent neonatal 3. Also called: ABCC8-Related Permanent Neonatal Diabetes Mellitus. Identifiers: MedGen C5394303, MONDO:0030088, OMIM 618857.
Hyperinsulinemic hypoglycemia, familial, 1 (HHF1). Also called: Persistent hyperinsulinemic hypoglycemia of infancy; NESIDIOBLASTOSIS OF PANCREAS; Persistent Hyperinsulinemia Hypoglycemia of Infancy; HYPERINSULINISM, FAMILIAL, WITH PANCREATIC NESIDIOBLASTOSIS; HYPOGLYCEMIA, HYPERINSULINEMIC, OF INFANCY. Identifiers: Orphanet 276575, Orphanet 276598, MedGen C2931832, MONDO:0009734, OMIM 256450.
Leucine-induced hypoglycemia (LIH). Also called: LEUCINE-SENSITIVE HYPOGLYCEMIA OF INFANCY. Identifiers: MedGen C0271714, MONDO:0009415, OMIM 240800.
Diabetes mellitus, transient neonatal, 2 (TNDM2). Identifiers: Orphanet 99886, MedGen C1835887, MONDO:0012480, OMIM 610374. Disease mechanism: loss of function.

Allele frequency attached by ClinVar (database versions not stated): ExAC 0.00012; 1000 Genomes Project 30x 0.00016; 1000 Genomes Project 0.00020.
gnomAD v4.1: 77 of 1,611,754 alleles (0.0048%); highest among the groups gnomAD compares: Middle Eastern, 0.095%; no homozygotes.

Submissions (5):

GeneDx
Classification: Uncertain significance. Last evaluated: 2026-07-28. Review status: criteria provided, single submitter. Criteria: GeneDx Variant Classification Process June 2021. Collection method: clinical testing. Allele origin: germline.
Comment: Reported in a patient with suspected MODY in the published literature (PMID: 40272924); however, additional clinical information was not provided; Reported in a patient with pulmonary arterial hypertension associated with congenital heart disease in the published literature who also had a variant in another gene that may have been responsible for the phenotype (PMID: 40180617); In silico analysis suggests that this missense variant does not alter protein structure/function; This variant is associated with the following publications: (PMID: 40180617, 40272924)

Women's Health and Genetics/Laboratory Corporation of America, LabCorp
Classification: Uncertain significance. Last evaluated: 2026-02-13. Review status: criteria provided, single submitter. Criteria: LabCorp Variant Classification Summary - May 2015. Collection method: clinical testing. Allele origin: germline.
Comment: Variant summary: ABCC8 c.2929G>A (p.Ala977Thr) results in a non-conservative amino acid change in the encoded protein sequence. Algorithms developed to predict the effect of missense changes on protein structure and function are either unavailable or do not agree on the potential impact of this missense change. The variant allele was found at a frequency of 8.7e-05 in 242724 control chromosomes. This frequency is not significantly higher than estimated for disease-causing variants in ABCC8, allowing no conclusion about variant significance. To our knowledge, no occurrence of c.2929G>A in individuals affected with ABCC8-related conditions and no experimental evidence demonstrating its impact on protein function have been reported. ClinVar contains an entry for this variant (Variation ID: 1339208). Based on the evidence outlined above, the variant was classified as uncertain significance.

Fulgent Genetics
Classification: Uncertain significance for Type 2 diabetes mellitus; Leucine-induced hypoglycemia; Hyperinsulinemic hypoglycemia, familial, 1; Diabetes mellitus, transient neonatal, 2; Diabetes mellitus, permanent neonatal 3. Last evaluated: 2024-05-03. Review status: criteria provided, single submitter. Criteria: ACMG Guidelines, 2015. Collection method: clinical testing. Allele origin: germline.

Labcorp Genetics (formerly Invitae), Labcorp
Classification: Likely benign. Last evaluated: 2023-12-31. Review status: criteria provided, single submitter. Criteria: Invitae Variant Classification Sherloc (09022015). Collection method: clinical testing. Allele origin: germline.

Neuberg Centre For Genomic Medicine, NCGM
Classification: Uncertain significance for Hyperinsulinemic hypoglycemia, familial, 1. Review status: criteria provided, single submitter. Criteria: ACMG Guidelines, 2015. Collection method: clinical testing. Allele origin: germline. Affected: yes.
Comment: The missense variant p.A977T in ABCC8 (NM_000352.6) has not been reported previously as a pathogenic variant nor as a benign variant, to our knowledge. There is a small physicochemical difference between alanine and threonine, which is not likely to impact secondary protein structure as these residues share similar properties. The p.A977T variant is not predicted to disrupt splicing by any splice site algorithm. The p.A977T missense variant is predicted to be tolerated by both SIFT or PolyPhen2. The nucleotide c.2929 in ABCC8 is not conserved according to a GERP++ and PhyloP analysis of 100 vertebrates. For these reasons, this variant has been classified as Uncertain Significance.